The following is an entry in ClinVar:

ClinVar aggregate classification (germline): Uncertain significance (1 of 4 stars; one submission).

Conditions:
Inborn genetic diseases. Identifiers: MedGen C0950123, MeSH D030342.

Submission:

Ambry Genetics
Classification: Uncertain significance for Inborn genetic diseases. Last evaluated: 2026-01-26. Review status: criteria provided, single submitter. Criteria: Ambry Variant Classification Scheme 2023. Collection method: clinical testing. Allele origin: germline.
Comment: The c.643T>C (p.F215L) alteration is located in exon 6 (coding exon 6) of the PCCB gene. This alteration results from a T to C substitution at nucleotide position 643, causing the phenylalanine (F) at amino acid position 215 to be replaced by a leucine (L). This variant was not reported in population-based cohorts in the Genome Aggregation Database (gnomAD). This amino acid position is highly conserved in available vertebrate species. This alteration is predicted to be deleterious by in silico analysis. Based on insufficient or conflicting evidence, the clinical significance of this alteration remains unclear.

NM_000532.5(PCCB):c.643T>C (p.Phe215Leu)

Gene: PCCB (propionyl-CoA carboxylase subunit beta; plus strand). Cytogenetic location: 3q22.3.
Variant type: single nucleotide variant.
Coding change: c.643T>C on transcript NM_000532.5 (MANE Select); coding-DNA position 643, T replaced by C.
Protein change: p.Phe215Leu; replaces phenylalanine 215 with leucine.
Molecular consequence: missense variant.
Genome position (GRCh38, 1-based): chr3:136,283,936, T>C. VCF-style: chr3-136283936-T-C. GRCh37 (hg19) VCF-style: chr3-136002778-T-C.
Other names: c.703T>C, p.Phe235Leu (NM_001178014.2); short protein forms F215L, F235L.
Identifiers: ClinVar variation 4839310 (VCV004839310.1).
Genomic context (GRCh38, chr3:136,283,936, plus strand): 5'-CTGATCATGGGCCCATGTGCTGGTGGGGCCGTCTACTCCCCAGCCCTAACAGACTTCACG[T>C]TCATGGTAAAGGTAAGAAAGAAGGGCCTGTTTTTGGTGCCGTTTGAGATTTGTGCAGTTC-3'
Protein context (NP_000523.2, residues 205-225): VYSPALTDFT[Phe215Leu]MVKDTSYLFI